The following is an entry in ClinVar:

NM_024640.4(YRDC):c.358G>C (p.Val120Leu)

Genes: C1orf122 (chromosome 1 open reading frame 122; plus strand), YRDC (yrdC N6-threonylcarbamoyltransferase domain containing; minus strand). Cytogenetic location: 1p34.3.
Variant type: single nucleotide variant.
Coding change: c.358G>C on transcript NM_024640.4 (MANE Select); coding-DNA position 358, G replaced by C.
Protein change: p.Val120Leu; replaces valine 120 with leucine.
Molecular consequence: missense variant. On other transcripts: 5 prime UTR variant (2).
Genome position (GRCh38, 1-based): chr1:37,807,823, C>G on the plus strand (G>C on the coding strand, the complement: YRDC is on the minus strand). VCF-style: chr1-37807823-C-G. GRCh37 (hg19) VCF-style: chr1-38273495-C-G.
Other names: c.-638C>G (NM_001142726.2); c.-582C>G (NM_198446.3); short protein forms V120L.
Identifiers: ClinVar variation 2136221 (VCV002136221.1), dbSNP rs772402590, ClinGen allele CA774866.
Genomic context (GRCh38, chr1:37,807,823, plus strand): 5'-CTAGCGGGGCCGGGTCGGGGCGGCCTTACCTGTAGACGTCGGCCACGCGGCCGAGGCATA[C>G]GGCCAGAGGCTTGGCCTCGCTGCGACCCTTGAGGCGGTACACAGCGCGCAGAGCCGCCGA-3'
Protein context (NP_078916.3, residues 110-130): KGRSEAKPLA[Val120Leu]CLGRVADVYR

ClinVar aggregate classification (germline): Uncertain significance (1 of 4 stars; one submission).

Allele frequency attached by ClinVar (database versions not stated): TOPMed 0.00003; gnomAD exomes 0.00005; 1000 Genomes Project 30x 0.00031.
gnomAD v4.1: 70 of 1,509,886 alleles (0.0046%); highest among the groups gnomAD compares: Non-Finnish European, 0.0057%; no homozygotes.

Submission:

GeneDx
Classification: Uncertain significance. Last evaluated: 2022-07-21. Review status: criteria provided, single submitter. Criteria: GeneDx Variant Classification Process June 2021. Collection method: clinical testing. Allele origin: germline. Affected: yes.
Comment: In silico analysis supports that this missense variant does not alter protein structure/function; Has not been previously published as pathogenic or benign to our knowledge